The following is an entry in ClinVar:

NM_000530.8(MPZ):c.377C>G (p.Thr126Ser)

Gene: MPZ (myelin protein zero; minus strand). Cytogenetic location: 1q23.3.
Variant type: single nucleotide variant.
Coding change: c.377C>G on transcript NM_000530.8 (MANE Select); coding-DNA position 377, C replaced by G.
Protein change: p.Thr126Ser; replaces threonine 126 with serine.
Molecular consequence: missense variant.
Genome position (GRCh38, 1-based): chr1:161,306,779, G>C on the plus strand (C>G on the coding strand, the complement: MPZ is on the minus strand). VCF-style: chr1-161306779-G-C. GRCh37 (hg19) VCF-style: chr1-161276569-G-C.
Other names: c.377C>G, p.Thr126Ser (NM_001315491.2); short protein forms T126S.
Identifiers: ClinVar variation 1010939 (VCV001010939.8), dbSNP rs1230674741, ClinGen allele CA343348897.

ClinVar aggregate classification (germline): Uncertain significance (1 of 4 stars; one submission).

Conditions:
Charcot-Marie-Tooth disease, type I (CMT1). Also called: Charcot-Marie-Tooth disease type 1; Charcot-Marie-Tooth, Type 1. Identifiers: Orphanet 65753, MedGen C0751036, MONDO:0019011.

Allele frequency attached by ClinVar (database versions not stated): gnomAD exomes below 0.00001.
gnomAD v4.1: 1 of 1,614,072 alleles (0.000062%); highest among the groups gnomAD compares: Admixed American, 0.0017%; no homozygotes.

Submission:

Labcorp Genetics (formerly Invitae), Labcorp
Classification: Uncertain significance for Charcot-Marie-Tooth disease, type I. Last evaluated: 2025-01-06. Review status: criteria provided, single submitter. Criteria: Invitae Variant Classification Sherloc (09022015). Collection method: clinical testing. Allele origin: germline.
Comment: This sequence change replaces threonine, which is neutral and polar, with serine, which is neutral and polar, at codon 126 of the MPZ protein (p.Thr126Ser). This variant is present in population databases (no rsID available, gnomAD 0.003%). This variant has not been reported in the literature in individuals affected with MPZ-related conditions. ClinVar contains an entry for this variant (Variation ID: 1010939). Invitae Evidence Modeling of protein sequence and biophysical properties (such as structural, functional, and spatial information, amino acid conservation, physicochemical variation, residue mobility, and thermodynamic stability) indicates that this missense variant is not expected to disrupt MPZ protein function with a negative predictive value of 80%. In summary, the available evidence is currently insufficient to determine the role of this variant in disease. Therefore, it has been classified as a Variant of Uncertain Significance.